The following is an entry in ClinVar:

ClinVar aggregate classification (germline): Pathogenic/Likely pathogenic. Review status: criteria provided, multiple submitters, no conflicts (2 of 4 stars). 3 submissions from 3 submitters: Pathogenic (2); Likely pathogenic (1). Last evaluated 2025-12-08.

Conditions:
Meckel-Gruber syndrome. Also called: Dysencephalia splachnocystica; DYSENCEPHALIA SPLANCHNOCYSTICA; GRUBER SYNDROME. Identifiers: Orphanet 564, MedGen C0265215, MONDO:0018921.
Joubert syndrome. Also called: CEREBELLOPARENCHYMAL DISORDER IV; JOUBERT-BOLTSHAUSER SYNDROME; Familial aplasia of the vermis. Identifiers: Orphanet 475, MedGen C5979921, MONDO:0018772.
Joubert syndrome 7 (JBTS7). Identifiers: Orphanet 220497, MedGen C1969053, MONDO:0012694, OMIM 611560.

Allele frequency attached by ClinVar (database versions not stated): gnomAD exomes below 0.00001; TOPMed 0.00001.
gnomAD v4.1: 2 of 1,609,616 alleles (0.00012%); highest among the groups gnomAD compares: Non-Finnish European, 0.000085%; no homozygotes.

Submissions (3):

Natera, Inc.
Classification: Likely pathogenic for Joubert syndrome. Last evaluated: 2025-12-08. Review status: criteria provided, single submitter. Criteria: Natera Variant Classification Schema (03/2026). Collection method: clinical testing. Allele origin: germline.
Comment: The c.1243+1G>A variant in RPGRIP1L is a canonical splice donor site variant predicted to affect pre-mRNA splicing, which may result in an abnormal transcript and altered protein product. This variant is expected to result in nonsense mediated decay, truncation, or a dysfunctional protein product. This variant is rare in the general population with a frequency below the threshold expected for the associated phenotype(s). Given the available evidence, this variant is classified as Likely Pathogenic.

Labcorp Genetics (formerly Invitae), Labcorp
Classification: Pathogenic for Joubert syndrome; Meckel-Gruber syndrome. Last evaluated: 2025-04-16. Review status: criteria provided, single submitter. Criteria: Invitae Variant Classification Sherloc (09022015). Collection method: clinical testing. Allele origin: germline.
Comment: This sequence change affects a donor splice site in intron 10 of the RPGRIP1L gene. It is expected to disrupt RNA splicing. Variants that disrupt the donor or acceptor splice site typically lead to a loss of protein function (PMID: 16199547), and loss-of-function variants in RPGRIP1L are known to be pathogenic (PMID: 17558409). This variant is not present in population databases (gnomAD no frequency). Disruption of this splice site has been observed in individual(s) with Joubert syndrome (PMID: 26092869). ClinVar contains an entry for this variant (Variation ID: 217693). Algorithms developed to predict the effect of sequence changes on RNA splicing suggest that this variant may disrupt the consensus splice site. For these reasons, this variant has been classified as Pathogenic.

UW Hindbrain Malformation Research Program, University of Washington
Classification: Pathogenic for Joubert syndrome 7. Last evaluated: 2015-02-23. Review status: criteria provided, single submitter. Criteria: Bachmann-Gagescu et al. (J Med Genet. 2015). Collection method: research. Allele origin: unknown. Affected: yes.

Literature cited by the submitters: PubMed 16199547 (cited by Labcorp Genetics (formerly Invitae), Labcorp); PubMed 17558409 (cited by Labcorp Genetics (formerly Invitae), Labcorp); PubMed 26092869 (cited by Labcorp Genetics (formerly Invitae), Labcorp).

NM_015272.5(RPGRIP1L):c.1243+1G>A

Gene: RPGRIP1L (RPGRIP1 like; minus strand). Cytogenetic location: 16q12.2.
Variant type: single nucleotide variant.
Coding change: c.1243+1G>A on transcript NM_015272.5 (MANE Select); the canonical splice donor site of the intron after coding-DNA position 1243, G replaced by A.
Molecular consequence: splice donor variant.
Genome position (GRCh38, 1-based): chr16:53,664,869, C>T on the plus strand (G>A on the coding strand, the complement: RPGRIP1L is on the minus strand). VCF-style: chr16-53664869-C-T. GRCh37 (hg19) VCF-style: chr16-53698781-C-T.
Other names: c.1243+1G>A (NM_001127897.4, NM_001330538.2, NM_001308334.3 and 1 more transcripts).
Identifiers: ClinVar variation 217693 (VCV000217693.9), dbSNP rs863225218, ClinGen allele CA279377.
Genomic context (GRCh38, chr16:53,664,869, plus strand): 5'-GATTCAATGAAGAAACATTAGATGTCTGAAATGAGTAAGGCAGTGGTTATTTCAAATGTA[C>T]CTCTTTCAGTTTTTAATCTGTCAAGGATTTCAGTTTTGTCTGTTAAGTCAGACTTCAAGG-3'